The following is an entry in ClinVar:

ClinVar aggregate classification (germline): Pathogenic (1 of 4 stars; one submission).

Conditions:
Intellectual developmental disorder with cardiac defects and dysmorphic facies (IDDCDF). Identifiers: Orphanet 562569, MedGen C5193024, MONDO:0032672, OMIM 618316.

gnomAD v4.1: 1 of 1,597,432 alleles (0.000063%); highest among the groups gnomAD compares: Non-Finnish European, 0.000085%; no homozygotes.

Submission:

Women's Health and Genetics/Laboratory Corporation of America, LabCorp
Classification: Pathogenic for Intellectual developmental disorder with cardiac defects and dysmorphic facies. Last evaluated: 2026-06-12. Review status: criteria provided, single submitter. Criteria: LabCorp Variant Classification Summary - May 2015. Collection method: clinical testing. Allele origin: germline.
Comment: Variant summary: TMEM94 c.3776G>A (p.Trp1259X) results in a premature termination codon, predicted to cause a truncation of the encoded protein or absence of the protein due to nonsense mediated decay, which are commonly known mechanisms for disease. Loss-of-function variants in this gene are known to be pathgenic. The variant was absent in 232500 control chromosomes. To our knowledge, no occurrence of c.3776G>A in individuals affected with TMEM94-related conditions and no experimental evidence demonstrating its impact on protein function have been reported. No submitters have cited clinical-significance assessments for this variant to ClinVar. Based on the evidence outlined above, the variant was classified as pathogenic.

NM_014738.6(TMEM94):c.3776G>A (p.Trp1259Ter)

Gene: TMEM94 (transmembrane protein 94; plus strand). Cytogenetic location: 17q25.1.
Variant type: single nucleotide variant.
Coding change: c.3776G>A on transcript NM_014738.6 (MANE Select); coding-DNA position 3776, G replaced by A.
Protein change: p.Trp1259Ter; replaces tryptophan 1259 with a stop codon.
Molecular consequence: nonsense.
Genome position (GRCh38, 1-based): chr17:75,498,671, G>A. VCF-style: chr17-75498671-G-A. GRCh37 (hg19) VCF-style: chr17-73494752-G-A.
Other names: c.3818G>A, p.Trp1273Ter (NM_001438843.1, NM_001438842.1); c.3806G>A, p.Trp1269Ter (NM_001438844.1, NM_001321148.2); c.3785G>A, p.Trp1262Ter (NM_001438845.1); c.3758G>A, p.Trp1253Ter (NM_001438846.1); c.3698G>A, p.Trp1233Ter (NM_001438847.1); c.3689G>A, p.Trp1230Ter (NM_001438848.1); c.3788G>A, p.Trp1263Ter (NM_001321149.2); c.3728G>A, p.Trp1243Ter (NM_001351202.2); and 2 more; short protein forms W1230*, W1233*, W1243*, W1253*, W1259*, W1262*, W1263*, W1268*.
Identifiers: ClinVar variation 4887284 (VCV004887284.1).